The following is an entry in ClinVar:

NM_020911.2(PLXNA4):c.3765C>T (p.Ala1255=)

Gene: PLXNA4 (plexin A4; minus strand). Cytogenetic location: 7q32.3.
Variant type: single nucleotide variant.
Coding change: c.3765C>T on transcript NM_020911.2 (MANE Select); coding-DNA position 3765, C replaced by T.
Protein change: p.Ala1255=; no amino-acid change (alanine 1255 retained).
Molecular consequence: synonymous variant.
Genome position (GRCh38, 1-based): chr7:132,179,796, G>A on the plus strand (C>T on the coding strand, the complement: PLXNA4 is on the minus strand). VCF-style: chr7-132179796-G-A. GRCh37 (hg19) VCF-style: chr7-131864555-G-A.
Other names: c.3765C>T, p.Ala1255= (NM_001393897.1).
Identifiers: ClinVar variation 3347842 (VCV003347842.1).

ClinVar aggregate classification (germline): Likely benign (0 of 4 stars; one submission).

Conditions:
PLXNA4-related disorder. Also called: PLXNA4-related condition.

gnomAD v4.1: 29 of 1,613,594 alleles (0.0018%); highest among the groups gnomAD compares: East Asian, 0.011%; no homozygotes.

Submission:

PreventionGenetics, part of Exact Sciences
Classification: Likely benign for PLXNA4-related condition. Last evaluated: 2021-07-02. Review status: no assertion criteria provided. Collection method: clinical testing. Allele origin: germline.
Comment: This variant is classified as likely benign based on ACMG/AMP sequence variant interpretation guidelines (Richards et al. 2015 PMID: 25741868, with internal and published modifications).